The following is an entry in ClinVar:

NM_001369.3(DNAH5):c.13159C>T (p.Gln4387Ter)

Gene: DNAH5 (dynein axonemal heavy chain 5; minus strand). Cytogenetic location: 5p15.2.
Variant type: single nucleotide variant.
Coding change: c.13159C>T on transcript NM_001369.3 (MANE Select); coding-DNA position 13159, C replaced by T.
Protein change: p.Gln4387Ter; replaces glutamine 4387 with a stop codon.
Molecular consequence: nonsense.
Genome position (GRCh38, 1-based): chr5:13,708,302, G>A on the plus strand (C>T on the coding strand, the complement: DNAH5 is on the minus strand). VCF-style: chr5-13708302-G-A. GRCh37 (hg19) VCF-style: chr5-13708411-G-A.
Other names: short protein forms Q4387*.
Identifiers: ClinVar variation 970016 (VCV000970016.8), dbSNP rs1195383216, ClinGen allele CA359198088.

ClinVar aggregate classification (germline): Pathogenic (1 of 4 stars; one submission).

Conditions:
Primary ciliary dyskinesia. Also called: Ciliary dyskinesia. Identifiers: Orphanet 244, MedGen C0008780, MONDO:0016575, HP:0012265.

Submission:

Labcorp Genetics (formerly Invitae), Labcorp
Classification: Pathogenic for Primary ciliary dyskinesia. Last evaluated: 2024-02-24. Review status: criteria provided, single submitter. Criteria: Invitae Variant Classification Sherloc (09022015). Collection method: clinical testing. Allele origin: germline.
Comment: This sequence change creates a premature translational stop signal (p.Gln4387*) in the DNAH5 gene. It is expected to result in an absent or disrupted protein product. Loss-of-function variants in DNAH5 are known to be pathogenic (PMID: 11788826, 16627867). This variant is not present in population databases (gnomAD no frequency). This variant has not been reported in the literature in individuals affected with DNAH5-related conditions. ClinVar contains an entry for this variant (Variation ID: 970016). For these reasons, this variant has been classified as Pathogenic.

Literature cited by the submitters: PubMed 11788826; PubMed 16627867.